The following is an entry in ClinVar:

ClinVar aggregate classification (germline): Pathogenic. Review status: criteria provided, multiple submitters, no conflicts (2 of 4 stars). 3 submissions from 3 submitters: Pathogenic (3). Last evaluated 2024-09-19.

Conditions:
MYH9-related disorder. Identifiers: MedGen C1854520.

Allele frequency attached by ClinVar (database versions not stated): gnomAD exomes below 0.00001.
gnomAD v4.1: 1 of 1,614,130 alleles (0.000062%); highest among the groups gnomAD compares: Non-Finnish European, 0.000085%; no homozygotes.

Submissions (3):

Labcorp Genetics (formerly Invitae), Labcorp
Classification: Pathogenic. Last evaluated: 2024-09-19. Review status: criteria provided, single submitter. Criteria: Invitae Variant Classification Sherloc (09022015). Collection method: clinical testing. Allele origin: germline.
Comment: This sequence change replaces tryptophan, which is neutral and slightly polar, with cysteine, which is neutral and slightly polar, at codon 33 of the MYH9 protein (p.Trp33Cys). This variant is not present in population databases (gnomAD no frequency). This missense change has been observed in individual(s) with MYH9-related disorders (PMID: 19967157, 25077172, 31064749). In at least one individual the variant was observed to be de novo. ClinVar contains an entry for this variant (Variation ID: 627409). Invitae Evidence Modeling of protein sequence and biophysical properties (such as structural, functional, and spatial information, amino acid conservation, physicochemical variation, residue mobility, and thermodynamic stability) indicates that this missense variant is expected to disrupt MYH9 protein function with a positive predictive value of 95%. This variant disrupts the p.Trp33 amino acid residue in MYH9. Other variant(s) that disrupt this residue have been determined to be pathogenic (PMID: 22477015, 23207509, 24186861, 31562665, 31977897). This suggests that this residue is clinically significant, and that variants that disrupt this residue are likely to be disease-causing. For these reasons, this variant has been classified as Pathogenic.

Blueprint Genetics
Classification: Pathogenic for MYH9-related disorders. Last evaluated: 2021-08-19. Review status: criteria provided, single submitter. Criteria: ACMG Guidelines, 2015. Collection method: clinical testing. Allele origin: germline. Affected: yes. Observed: 1 variant allele.

NIHR Bioresource Rare Diseases, University of Cambridge
Classification: Pathogenic for MYH9-related disorder. Last evaluated: 2019-02-01. Review status: criteria provided, single submitter. Criteria: ACMG Guidelines, 2015. Collection method: research. Allele origin: unknown. Affected: yes. Observed: 1 heterozygote. Study: ThromboGenomics.

Literature cited by the submitters: PubMed 19967157 (cited by Labcorp Genetics (formerly Invitae), Labcorp); PubMed 25077172 (cited by Labcorp Genetics (formerly Invitae), Labcorp); PubMed 31064749 (cited by Labcorp Genetics (formerly Invitae), Labcorp and NIHR Bioresource Rare Diseases, University of Cambridge); PubMed 22477015 (cited by Labcorp Genetics (formerly Invitae), Labcorp); PubMed 23207509 (cited by Labcorp Genetics (formerly Invitae), Labcorp); PubMed 24186861 (cited by Labcorp Genetics (formerly Invitae), Labcorp); PubMed 31562665 (cited by Labcorp Genetics (formerly Invitae), Labcorp); PubMed 31977897 (cited by Labcorp Genetics (formerly Invitae), Labcorp).

NM_002473.6(MYH9):c.99G>C (p.Trp33Cys)

Gene: MYH9 (myosin heavy chain 9; minus strand). Cytogenetic location: 22q12.3.
Variant type: single nucleotide variant.
Coding change: c.99G>C on transcript NM_002473.6 (MANE Select); coding-DNA position 99, G replaced by C.
Protein change: p.Trp33Cys; replaces tryptophan 33 with cysteine.
Molecular consequence: missense variant.
Genome position (GRCh38, 1-based): chr22:36,349,138, C>G on the plus strand (G>C on the coding strand, the complement: MYH9 is on the minus strand). VCF-style: chr22-36349138-C-G. GRCh37 (hg19) VCF-style: chr22-36745183-C-G.
Other names: short protein forms W33C.
Identifiers: ClinVar variation 627409 (VCV000627409.7), dbSNP rs1603484059, ClinGen allele CA411549546.